The following is an entry in ClinVar:

NM_002691.4(POLD1):c.2403C>A (p.Tyr801Ter)

Gene: POLD1 (DNA polymerase delta 1, catalytic subunit; plus strand). Cytogenetic location: 19q13.33.
Variant type: single nucleotide variant.
Coding change: c.2403C>A on transcript NM_002691.4 (MANE Select); coding-DNA position 2403, C replaced by A.
Protein change: p.Tyr801Ter; replaces tyrosine 801 with a stop codon.
Molecular consequence: nonsense. On other transcripts: non-coding transcript variant (1).
Genome position (GRCh38, 1-based): chr19:50,414,829, C>A. VCF-style: chr19-50414829-C-A. GRCh37 (hg19) VCF-style: chr19-50918086-C-A.
Other names: c.2403C>A, p.Tyr801Ter (NM_001256849.1); c.2481C>A, p.Tyr827Ter (NM_001308632.1); c.2403C>A (NM_002691.2); short protein forms Y801*, Y827*.
Identifiers: ClinVar variation 3685893 (VCV003685893.3).

ClinVar aggregate classification (germline): Uncertain significance. Review status: criteria provided, multiple submitters, no conflicts (2 of 4 stars). 2 submissions from 2 submitters: Uncertain significance (2). Last evaluated 2025-05-08.

Conditions:
POLD1-related polyposis and colorectal cancer syndrome (CRCS10). Also called: Colorectal cancer 10; COLORECTAL CANCER, SUSCEPTIBILITY TO, ON CHROMOSOME 19q; Colorectal cancer, susceptibility to, 10. Identifiers: Orphanet 220460, MedGen C2675481, MONDO:0012953, OMIM 612591.
Hereditary cancer-predisposing syndrome. Also called: Neoplastic Syndromes, Hereditary; Tumor predisposition; Hereditary Cancer Syndrome; Hereditary neoplastic syndrome. Identifiers: Orphanet 140162, MedGen C0027672, MeSH D009386, MONDO:0015356.

Submissions (2):

Ambry Genetics
Classification: Uncertain significance for Hereditary cancer-predisposing syndrome. Last evaluated: 2025-05-08. Review status: criteria provided, single submitter. Criteria: Ambry Variant Classification Scheme 2023. Collection method: clinical testing. Allele origin: germline.
Comment: The p.Y801* variant (also known as c.2403C>A), located in coding exon 19 of the POLD1 gene, results from a C to A substitution at nucleotide position 2403. This changes the amino acid from a tyrosine to a stop codon within coding exon 19. This alteration is expected to result in loss of function by premature protein truncation or nonsense-mediated mRNA decay. However, loss of function of POLD1 has not been established as a mechanism of disease. Based on the available evidence, the clinical significance of this alteration remains unclear.

Labcorp Genetics (formerly Invitae), Labcorp
Classification: Uncertain significance for POLD1-related polyposis and colorectal cancer syndrome. Last evaluated: 2024-02-15. Review status: criteria provided, single submitter. Criteria: Invitae Variant Classification Sherloc (09022015). Collection method: clinical testing. Allele origin: germline.
Comment: This sequence change creates a premature translational stop signal (p.Tyr801*) in the POLD1 gene. Missense variants that disrupt the 3'-5' exonuclease (proof-reading) activity of the POLD1 protein are associated with PPAP (polymerase proofreading–associated polyposis) (PMID: 23263490, 23447401). However, loss-of-function variants that result in an absent or severely disrupted POLD1 protein, and missense variants outside the exonuclease domain, are unlikely to be associated with PPAP. This variant is not present in population databases (gnomAD no frequency). This variant has not been reported in the literature in individuals affected with POLD1-related conditions. RNA analysis performed to evaluate the impact of this premature translational stop signal on mRNA splicing indicates it does not significantly alter splicing (Invitae). In summary, the available evidence is currently insufficient to determine the role of this variant in disease. Therefore, it has been classified as a Variant of Uncertain Significance.

Literature cited by the submitters: PubMed 23263490 (cited by Labcorp Genetics (formerly Invitae), Labcorp); PubMed 23447401 (cited by Labcorp Genetics (formerly Invitae), Labcorp).